The following is an entry in ClinVar:

NM_000159.4(GCDH):c.268G>A (p.Glu90Lys)

Gene: GCDH (glutaryl-CoA dehydrogenase; plus strand). Cytogenetic location: 19p13.13.
Variant type: single nucleotide variant.
Coding change: c.268G>A on transcript NM_000159.4 (MANE Select); coding-DNA position 268, G replaced by A.
Protein change: p.Glu90Lys; replaces glutamic acid 90 with lysine.
Molecular consequence: missense variant. On other transcripts: non-coding transcript variant (2).
Genome position (GRCh38, 1-based): chr19:12,891,971, G>A. VCF-style: chr19-12891971-G-A. GRCh37 (hg19) VCF-style: chr19-13002785-G-A.
Other names: c.268G>A, p.Glu90Lys (NM_013976.5); short protein forms E90K.
Identifiers: ClinVar variation 459949 (VCV000459949.14), dbSNP rs1025558859, ClinGen allele CA305500200.

ClinVar aggregate classification (germline): Likely pathogenic. Review status: criteria provided, multiple submitters, no conflicts (2 of 4 stars). 4 submissions from 4 submitters: Likely pathogenic (4). Last evaluated 2024-09-12.

Conditions:
Glutaric aciduria, type 1. Also called: Glutaryl-CoA dehydrogenase deficiency; GA I; Glutaricaciduria, type I; Glutaric Acidemia Type 1; Glutaric acidemia type I; Glutaricacidemia Type 1. Identifiers: Orphanet 25, MedGen C0268595, MONDO:0009281, OMIM 231670.

Allele frequency attached by ClinVar (database versions not stated): gnomAD exomes below 0.00001; gnomAD 0.00003 and 0.00004; TOPMed 0.00003.

Submissions (4):

Natera, Inc.
Classification: Likely pathogenic for Glutaric acidemia type 1. Last evaluated: 2024-09-12. Review status: criteria provided, single submitter. Criteria: Natera Variant Classification Schema (03/2026). Collection method: clinical testing. Allele origin: germline.
Comment: The c.268G>A variant in GCDH is a missense variant predicted to cause substitution of glutamic acid to lysine at amino acid 90. This variant is rare in the general population with a frequency below the threshold expected for the associated phenotype(s). This variant has been observed in one or more individuals affected with the associated recessive disease, as either homozygous or compound heterozygous with a second variant (PMID: 10960496, 36913764). This variant has been identified in one or more affected individual with a phenotype highly consistent with the associated gene (PMID: 36913764). Functional studies show that this variant may disrupt protein function (PMID: 28062662). Computational prediction algorithms indicate this variant is likely to affect gene or protein function. Given the available evidence, this variant is classified as Likely Pathogenic.

Baylor Genetics
Classification: Likely pathogenic for Glutaric aciduria, type 1. Last evaluated: 2023-05-09. Review status: criteria provided, single submitter. Criteria: ACMG Guidelines, 2015. Collection method: clinical testing. Allele origin: unknown.

Labcorp Genetics (formerly Invitae), Labcorp
Classification: Likely pathogenic for Glutaric aciduria, type 1. Last evaluated: 2022-09-22. Review status: criteria provided, single submitter. Criteria: Invitae Variant Classification Sherloc (09022015). Collection method: clinical testing. Allele origin: germline.
Comment: In summary, the currently available evidence indicates that the variant is pathogenic, but additional data are needed to prove that conclusively. Therefore, this variant has been classified as Likely Pathogenic. Algorithms developed to predict the effect of sequence changes on RNA splicing suggest that this variant may disrupt the consensus splice site. Experimental studies are conflicting or provide insufficient evidence to determine the effect of this variant on GCDH function (PMID: 28062662). Algorithms developed to predict the effect of missense changes on protein structure and function (SIFT, PolyPhen-2, Align-GVGD) all suggest that this variant is likely to be disruptive. ClinVar contains an entry for this variant (Variation ID: 459949). This missense change has been observed in individual(s) with glutaryl-CoA dehydrogenase deficiency (PMID: 10960496). This variant is present in population databases (no rsID available, gnomAD 0.008%). This sequence change replaces glutamic acid, which is acidic and polar, with lysine, which is basic and polar, at codon 90 of the GCDH protein (p.Glu90Lys).

Women's Health and Genetics/Laboratory Corporation of America, LabCorp
Classification: Likely pathogenic for Glutaric aciduria, type 1. Last evaluated: 2022-03-02. Review status: criteria provided, single submitter. Criteria: LabCorp Variant Classification Summary - May 2015. Collection method: clinical testing. Allele origin: germline.
Comment: Variant summary: GCDH c.268G>A (p.Glu90Lys) results in a conservative amino acid change located in the Acyl-CoA dehydrogenase/oxidase, N-terminal domain (IPR013786) of the encoded protein sequence. Four of five in-silico tools predict a damaging effect of the variant on protein function. The variant allele was found at a frequency of 4e-06 in 251412 control chromosomes. c.268G>A has been reported in the literature as a compound heterozygous genotype in at-least one individual affected with Glutaric aciduria, type 1 supported by characteristic biochemical elevations of both glutarate and 3-hydroxyglutarate (example, Busquets_2000). At least one publication reports experimental evidence evaluating an impact on protein function. The most pronounced variant effect results in decreased GCDH protein stability in-vitro (example, Schmiesing_2017). One clinical diagnostic laboratory has submitted clinical-significance assessments for this variant to ClinVar after 2014 and classified the variant as likely pathogenic citing overlapping evidence utilized in the context of this evaluation further supported by modeling of protein sequence and biophysical properties performed at their laboratory. Based on the evidence outlined above, the variant was classified as likely pathogenic.

Literature cited by the submitters: PubMed 10960496 (cited by 3 submitters); PubMed 36913764 (cited by Natera, Inc.); PubMed 28062662 (cited by 3 submitters); PubMed 15505393 (cited by Women's Health and Genetics/Laboratory Corporation of America, LabCorp).